The following is an entry in ClinVar:

GRCh38/hg38 12q14.3(chr12:65192310-65195529)x4

Genes: LEMD3 (LEM domain containing 3; plus strand), LOC130008225 (ATAC-STARR-seq lymphoblastoid active region 6608; plus strand), LOC130008226 (ATAC-STARR-seq lymphoblastoid silent region 4631; plus strand), LOC124629392 (Sharpr-MPRA regulatory region 14888; plus strand), LOC130008224 (ATAC-STARR-seq lymphoblastoid silent region 4630; plus strand). Cytogenetic location: 12q14.3.
Variant type: copy number gain.
Change: copy number 4 of chr12:65,192,310-65,195,529 (3.2 kb, GRCh38 coordinates, 1-based), cytogenetic band 12q14.3.
Identifiers: ClinVar variation 1810761 (VCV001810761.3).

ClinVar aggregate classification (germline): association (0 of 4 stars; one submission).

Conditions:
Orofacial cleft 3 (OFC3). Also called: CLEFT LIP WITH OR WITHOUT CLEFT PALATE, NONSYNDROMIC, 3. Identifiers: MedGen C1833369, MeSH C563448, MONDO:0010927, OMIM 600757.

Submission:

Craniofacial science Laboratory, School of Dental Sciences, universiti sains malaysia
Classification: association for Orofacial cleft 3. Review status: no assertion criteria provided. Collection method: research. Allele origin: unknown. Inheritance: Sporadic. Affected: yes. Observed: 14 variant alleles.
Comment: The analysis showed that the NSCL/P with hypodontia patients had a duplication or copy number gain, increasing copy number state (CN=4), and increasing weighted log2 ratio. The region that overlaps with the duplication area is the LEMD3 gene.The LEMD3 gene acts as a particular TGF-beta, activin, and BMP signalling regulator by interfering with the R-SMAD protein complexes. Its antagoniser TGF-beta induced cell proliferation arrest. It can therefore be assumed that the copy number gain in LEMD3 interrupts the TGFβ signalling function in regulating palate development in both epithelium and mesenchyme, thus leading to the formation of CL/P (Iwata et al., 2011)

Literature cited by the submitters: DOI 10.1111/j.1601-0825.2011.01806.x.